The following is an entry in ClinVar:

ClinVar aggregate classification (germline): Likely pathogenic (1 of 4 stars; one submission).

Conditions:
Mowat-Wilson syndrome (MOWS). Also called: Classic Mowat-Wilson Syndrome. Identifiers: Orphanet 2152, MedGen C1856113, MONDO:0009341, OMIM 235730.

Submission:

Victorian Clinical Genetics Services, Murdoch Childrens Research Institute
Classification: Likely pathogenic for Mowat-Wilson syndrome. Last evaluated: 2022-02-02. Review status: criteria provided, single submitter. Criteria: ACMG Guidelines, 2015. Collection method: clinical testing. Allele origin: germline. Inheritance: Autosomal dominant inheritance.
Comment: Based on the classification scheme VCGS_Germline_v1.3.3, this variant is classified as Likely Pathogenic Following criteria are met: 0102 - Loss of function is a known mechanism of disease in this gene and is associated with Mowat-Wilson syndrome (MIM#235730). (I) 0107 - This gene is associated with autosomal dominant disease. (I) 0211 - Canonical splice site variant without proven consequence on splicing (no functional evidence available). (SP) 0251 - This variant is heterozygous. (I) 0301 - Variant is absent from gnomAD (both v2 and v3). (SP) 0505 - Abnormal splicing is predicted by in silico tools and affected nucleotide is highly conserved. Exon 9 skipping has been predicted to be highly likely, which might lead to a truncated protein with less than 1/3 of the protein sequence affected (Splicing Diagnostics, Kids Neuroscience Centre). (SP) 0704 - Another splice site variant comparable to the one identified in this case has limited previous evidence for pathogenicity. c.3067+1G>A has been classified as Pathogenic by a diagnostic laboratory (ClinVar). (SP) 0807 - This variant has no previous evidence of pathogenicity. (I) 0905 - No published segregation evidence has been identified for this variant. (I) 1007 - No published functional evidence has been identified for this variant. (I) 1208 - Inheritance information for this variant is not currently available in this individual. (I) Legend: (SP) - Supporting pathogenic, (I) - Information, (SB) - Supporting benign

NM_014795.4(ZEB2):c.3067+2T>G

Gene: ZEB2 (zinc finger E-box binding homeobox 2; minus strand). Cytogenetic location: 2q22.3.
Variant type: single nucleotide variant.
Coding change: c.3067+2T>G on transcript NM_014795.4 (MANE Select); the canonical splice donor site of the intron after coding-DNA position 3067, T replaced by G.
Molecular consequence: splice donor variant.
Genome position (GRCh38, 1-based): chr2:144,396,410, A>C on the plus strand (T>G on the coding strand, the complement: ZEB2 is on the minus strand). VCF-style: chr2-144396410-A-C. GRCh37 (hg19) VCF-style: chr2-145153977-A-C.
Other names: c.2995+2T>G (NM_001171653.2).
Identifiers: ClinVar variation 1806221 (VCV001806221.1), dbSNP rs2549104771, ClinGen allele CA348703473.